The following is an entry in ClinVar:

ClinVar aggregate classification (germline): Uncertain significance (1 of 4 stars; one submission).

Conditions:
Long QT syndrome (LQTS). Identifiers: MedGen C0023976, MeSH D008133, MONDO:0002442. Disease mechanism: loss of function. Inheritance: Various modes of inheritance.

Submission:

Labcorp Genetics (formerly Invitae), Labcorp
Classification: Uncertain significance for Long QT syndrome. Last evaluated: 2016-10-09. Review status: criteria provided, single submitter. Criteria: Invitae Variant Classification Sherloc (09022015). Collection method: clinical testing. Allele origin: germline.
Comment: In summary, this variant is a novel missense change that is not predicted to affect protein function. There is no indication that it causes disease, but the available evidence is currently insufficient to prove that conclusively. Therefore, it has been classified as a Variant of Uncertain Significance. Algorithms developed to predict the effect of missense changes on protein structure and function output the following: (SIFT: "Tolerated"; PolyPhen-2: "Benign"; Align-GVGD: "Class C0"). The glutamic acid amino acid residue is found in multiple mammalian species, suggesting that this missense change does not adversely affect protein function. These predictions have not been confirmed by published functional studies. This variant is not present in population databases (ExAC no frequency) and has not been reported in the literature in individuals with an ANK2-related disease. This sequence change replaces glycine with glutamic acid at codon 1663 of the ANK2 protein (p.Gly1663Glu). The glycine residue is weakly conserved and there is a moderate physicochemical difference between glycine and glutamic acid.

NM_001148.6(ANK2):c.4988G>A (p.Gly1663Glu)

Gene: ANK2 (ankyrin 2; plus strand). Cytogenetic location: 4q26.
Variant type: single nucleotide variant.
Coding change: c.4988G>A on transcript NM_001148.6 (MANE Select); coding-DNA position 4988, G replaced by A.
Protein change: p.Gly1663Glu; replaces glycine 1663 with glutamic acid.
Molecular consequence: missense variant. On other transcripts: intron variant (68).
Genome position (GRCh38, 1-based): chr4:113,353,606, G>A. VCF-style: chr4-113353606-G-A. GRCh37 (hg19) VCF-style: chr4-114274762-G-A.
Other names: c.4754G>A, p.Gly1585Glu (NM_001386142.1); c.1388G>A, p.Gly463Glu (NM_001386166.1); c.5129G>A, p.Gly1710Glu (NM_001386174.1); c.5105G>A, p.Gly1702Glu (NM_001386175.1); c.4411+3357G>A (NM_001386186.2, NM_001386148.2); c.4213+3357G>A (NM_001354269.3); c.4291+3357G>A (NM_001386187.2); c.4252+3357G>A (NM_001386147.1); and 35 more; short protein forms G1663E, G1585E, G1702E, G1710E, G463E.
Identifiers: ClinVar variation 406475 (VCV000406475.5), dbSNP rs1060501158, ClinGen allele CA16611387.